The following is an entry in ClinVar:

NM_212533.3(ABCA2):c.1A>G (p.Met1Val)

Genes: ABCA2 (ATP binding cassette subfamily A member 2; minus strand), LINC02908 (long independently transcribed non-coding RNA 2908; plus strand). Cytogenetic location: 9q34.3.
Variant type: single nucleotide variant.
Coding change: c.1A>G on transcript NM_212533.3; coding-DNA position 1, A replaced by G.
Protein change: p.Met1Val; changes the start codon (methionine 1).
Molecular consequence: missense variant, initiator codon variant.
Genome position (GRCh38, 1-based): chr9:137,028,872, T>C on the plus strand (A>G on the coding strand, the complement: ABCA2 is on the minus strand). VCF-style: chr9-137028872-T-C. GRCh37 (hg19) VCF-style: chr9-139923324-T-C.
Other names: NC_000009.11:g.139923324T>C; short protein forms M1V.
Identifiers: ClinVar variation 785303 (VCV000785303.10), dbSNP rs142807525, ClinGen allele CA5356075.

ClinVar aggregate classification (germline): Benign. Review status: criteria provided, multiple submitters, no conflicts (2 of 4 stars). 3 submissions from 3 submitters: Benign (2). 1 of the submissions does not count toward it. Last evaluated 2018-07-13.

Conditions:
ABCA2-related disorder. Also called: ABCA2-related condition.

Allele frequency attached by ClinVar (database versions not stated): 1000 Genomes Project 30x 0.01265; gnomAD 0.01341 and 0.01235; ExAC 0.00375; 1000 Genomes Project 0.01098; TOPMed 0.01374; gnomAD exomes 0.00263 and 0.00092; ESP Exome Variant Server 0.01376.
gnomAD v4.1: 2,993 of 1,328,010 alleles (0.23%); highest among the groups gnomAD compares: African/African-American, 4.2%; 82 homozygotes.

Submissions (6):

Labcorp Genetics (formerly Invitae), Labcorp
Classification: Benign. Last evaluated: 2018-07-13. Review status: criteria provided, single submitter. Criteria: Invitae Variant Classification Sherloc (09022015). Collection method: clinical testing. Allele origin: germline.

Breakthrough Genomics
Classification: Benign. Review status: criteria provided, single submitter. Criteria: ACMG Guidelines, 2015. Collection method: not provided. Allele origin: germline. Inheritance: Autosomal recessive inheritance. Affected: yes.

PreventionGenetics, part of Exact Sciences
Classification: Likely benign for ABCA2-related condition. Last evaluated: 2020-03-27. Review status: no assertion criteria provided. Collection method: clinical testing. Allele origin: germline. Not counted in ClinVar's aggregate classification.
Comment: This variant is classified as likely benign based on ACMG/AMP sequence variant interpretation guidelines (Richards et al. 2015 PMID: 25741868, with internal and published modifications).

Dr. Peter K. Rogan Lab, Western University
No classification provided (evidence only). Condition: Clear cell carcinoma of kidney. Review status: no classification provided. Collection method: in vitro. Allele origin: not applicable. Functional consequence: retained intron. Not counted in ClinVar's aggregate classification.

Dr. Peter K. Rogan Lab, Western University
No classification provided (evidence only). Condition: Familial cancer of breast. Review status: no classification provided. Collection method: in vitro. Allele origin: not applicable. Functional consequence: retained intron. Not counted in ClinVar's aggregate classification.

Dr. Peter K. Rogan Lab, Western University
No classification provided (evidence only). Condition: Uterine corpus endometrial carcinoma. Review status: no classification provided. Collection method: in vitro. Allele origin: not applicable. Functional consequence: retained intron. Not counted in ClinVar's aggregate classification.